The following is an entry in ClinVar:

ClinVar aggregate classification (germline): Uncertain significance (1 of 4 stars; one submission).

Conditions:
Hereditary cancer-predisposing syndrome. Also called: Tumor predisposition; Neoplastic Syndromes, Hereditary; Hereditary neoplastic syndrome; Hereditary Cancer Syndrome. Identifiers: Orphanet 140162, MedGen C0027672, MeSH D009386, MONDO:0015356.

gnomAD v4.1: 1 of 1,614,088 alleles (0.000062%); highest among the groups gnomAD compares: Non-Finnish European, 0.000085%; no homozygotes.

Submission:

Ambry Genetics
Classification: Uncertain significance for Hereditary cancer-predisposing syndrome. Last evaluated: 2024-08-23. Review status: criteria provided, single submitter. Criteria: Ambry Variant Classification Scheme 2023. Collection method: clinical testing. Allele origin: germline.
Comment: The p.A150T variant (also known as c.448G>A), located in coding exon 3 of the TMEM127 gene, results from a G to A substitution at nucleotide position 448. The alanine at codon 150 is replaced by threonine, an amino acid with similar properties. This amino acid position is highly conserved in available vertebrate species. In addition, this alteration is predicted to be deleterious by in silico analysis. Based on the available evidence, the clinical significance of this variant remains unclear.

NM_017849.4(TMEM127):c.448G>A (p.Ala150Thr)

Gene: TMEM127 (transmembrane protein 127; minus strand). Cytogenetic location: 2q11.2.
Variant type: single nucleotide variant.
Coding change: c.448G>A on transcript NM_017849.4 (MANE Select); coding-DNA position 448, G replaced by A.
Protein change: p.Ala150Thr; replaces alanine 150 with threonine.
Molecular consequence: missense variant.
Genome position (GRCh38, 1-based): chr2:96,254,077, C>T on the plus strand (G>A on the coding strand, the complement: TMEM127 is on the minus strand). VCF-style: chr2-96254077-C-T. GRCh37 (hg19) VCF-style: chr2-96919815-C-T.
Other names: c.448G>A, p.Ala150Thr (NM_001193304.3); c.196G>A, p.Ala66Thr (NM_001407282.1, NM_001407283.1); short protein forms A66T, A150T.
Identifiers: ClinVar variation 3457580 (VCV003457580.1).